The following is an entry in ClinVar:

NM_025132.4(WDR19):c.1534C>T (p.Arg512Ter)

Gene: WDR19 (WD repeat domain 19; plus strand). Cytogenetic location: 4p14.
Variant type: single nucleotide variant.
Coding change: c.1534C>T on transcript NM_025132.4 (MANE Select); coding-DNA position 1534, C replaced by T.
Protein change: p.Arg512Ter; replaces arginine 512 with a stop codon.
Molecular consequence: nonsense.
Genome position (GRCh38, 1-based): chr4:39,224,938, C>T. VCF-style: chr4-39224938-C-T. GRCh37 (hg19) VCF-style: chr4-39226558-C-T.
Other names: c.1054C>T, p.Arg352Ter (NM_001317924.2); short protein forms R512*, R352*.
Identifiers: ClinVar variation 2928732 (VCV002928732.3), dbSNP rs1476588496, ClinGen allele CA356632041.
Genomic context (GRCh38, chr4:39,224,938, plus strand): 5'-TTTTAGACTGGTGTCGTTCAGTATTTCTACATTGAAGACTGGCAATTCGTTAATGATTAT[C>T]GACATCCTGTCAGTGTGAAAAAGATTTTTCCCGACCCAAATGGGACCAGATTAGTTTTCA-3'

ClinVar aggregate classification (germline): Pathogenic (1 of 4 stars; one submission).

Conditions:
Senior-Loken syndrome 8 (SLSN8). Identifiers: Orphanet 3156, MedGen C4225376, MONDO:0014579, OMIM 616307.
Asphyxiating thoracic dystrophy 5 (SRTD5). Also called: SHORT-RIB THORACIC DYSPLASIA 5 WITH OR WITHOUT POLYDACTYLY; SHORT-RIB THORACIC DYSPLASIA 5 WITHOUT POLYDACTYLY. Identifiers: Orphanet 474, MedGen C3280598, MONDO:0013717, OMIM 614376.

Allele frequency attached by ClinVar (database versions not stated): gnomAD exomes 0.00001.
gnomAD v4.1: 10 of 1,577,718 alleles (0.00063%); highest among the groups gnomAD compares: South Asian, 0.0047%; no homozygotes.

Submission:

Labcorp Genetics (formerly Invitae), Labcorp
Classification: Pathogenic for Senior-Loken syndrome 8; Asphyxiating thoracic dystrophy 5. Last evaluated: 2024-02-11. Review status: criteria provided, single submitter. Criteria: Invitae Variant Classification Sherloc (09022015). Collection method: clinical testing. Allele origin: germline.
Comment: This sequence change creates a premature translational stop signal (p.Arg512*) in the WDR19 gene. It is expected to result in an absent or disrupted protein product. Loss-of-function variants in WDR19 are known to be pathogenic (PMID: 22019273, 23559409, 23683095, 26275793, 27241786, 29068549). The frequency data for this variant in the population databases is considered unreliable, as metrics indicate poor data quality at this position in the gnomAD database. This variant has not been reported in the literature in individuals affected with WDR19-related conditions. For these reasons, this variant has been classified as Pathogenic.

Literature cited by the submitters: PubMed 22019273; PubMed 23559409; PubMed 23683095; PubMed 26275793; PubMed 27241786; PubMed 29068549.